The following is an entry in ClinVar:

ClinVar aggregate classification (germline): Pathogenic (1 of 4 stars; one submission).

Conditions:
Neurofibromatosis, type 1 (NF1). Also called: Peripheral type neurofibromatosis; VON RECKLINGHAUSEN DISEASE; NEUROFIBROMATOSIS, TYPE I, SOMATIC; Neurofibromatosis, type I. Identifiers: Orphanet 636, MedGen C0027831, MONDO:0018975, OMIM 162200. Disease mechanism: loss of function.

Submission:

Labcorp Genetics (formerly Invitae), Labcorp
Classification: Pathogenic for Neurofibromatosis, type 1. Last evaluated: 2024-01-16. Review status: criteria provided, single submitter. Criteria: Invitae Variant Classification Sherloc (09022015). Collection method: clinical testing. Allele origin: germline.
Comment: This sequence change creates a premature translational stop signal (p.Leu2583Phefs*21) in the NF1 gene. It is expected to result in an absent or disrupted protein product. Loss-of-function variants in NF1 are known to be pathogenic (PMID: 10712197, 23913538). This variant is not present in population databases (gnomAD no frequency). This variant has not been reported in the literature in individuals affected with NF1-related conditions. Algorithms developed to predict the effect of sequence changes on RNA splicing suggest that this variant may disrupt the consensus splice site. For these reasons, this variant has been classified as Pathogenic.

Literature cited by the submitters: PubMed 10712197; PubMed 23913538.

NM_001042492.3(NF1):c.7808_7809dup (p.Leu2604fs)

Gene: NF1 (neurofibromin 1; plus strand). Cytogenetic location: 17q11.2.
Variant type: Duplication.
Coding change: c.7808_7809dup on transcript NM_001042492.3 (MANE Select); coding-DNA positions 7808 to 7809, 2 bases duplicated (TT; older notation c.7808_7809dupTT).
Protein change: p.Leu2604fs; shifts the reading frame from leucine 2604.
Molecular consequence: frameshift variant.
Genome position (GRCh38, 1-based): chr17:31,357,029-31,357,030, TT duplicated. VCF-style (leftmost placement, unchanged base first): chr17-31357028-G-GTT. GRCh37 (hg19) VCF-style: chr17-29684046-G-GTT.
Other names: c.7745_7746dup, p.Leu2583Phefs (NM_000267.4); short protein forms L2583fs, L2604fs.
Identifiers: ClinVar variation 2709521 (VCV002709521.3), dbSNP rs2508827576, ClinGen allele CA2697559566.